The following is an entry in ClinVar:

NM_019616.4(F7):c.1238G>A (p.Gly413Glu)

Gene: F7 (coagulation factor VII; plus strand). Cytogenetic location: 13q34.
Variant type: single nucleotide variant.
Coding change: c.1238G>A on transcript NM_019616.4 (MANE Select); coding-DNA position 1238, G replaced by A.
Protein change: p.Gly413Glu; replaces glycine 413 with glutamic acid.
Molecular consequence: missense variant. On other transcripts: non-coding transcript variant (1).
Genome position (GRCh38, 1-based): chr13:113,118,911, G>A. VCF-style: chr13-113118911-G-A. GRCh37 (hg19) VCF-style: chr13-113773225-G-A.
Other names: p.Gly435Glu; c.1304G>A, p.Gly435Glu (NM_000131.5); c.1052G>A, p.Gly351Glu (NM_001267554.2); short protein forms G413E, G351E, G435E.
Identifiers: ClinVar variation 4541813 (VCV004541813.2).

ClinVar aggregate classification (germline): Conflicting classifications of pathogenicity. Review status: criteria provided, conflicting classifications (1 of 4 stars). 2 submissions from 2 submitters: Likely pathogenic (1); Uncertain significance (1). Last evaluated 2025-07-10.

Submissions (2):

GeneDx
Classification: Uncertain significance. Last evaluated: 2025-07-10. Review status: criteria provided, single submitter. Criteria: GeneDx Variant Classification Process June 2021. Collection method: clinical testing. Allele origin: germline. Affected: yes.
Comment: In silico analysis supports that this missense variant has a deleterious effect on protein structure/function; Also known as Gly375Glu using alternate nomenclature; This variant is associated with the following publications: (PMID: 11129332, 18976247)

Mayo Clinic Laboratories, Mayo Clinic
Classification: Likely pathogenic. Last evaluated: 2025-06-09. Review status: criteria provided, single submitter. Criteria: ACMG Guidelines, 2015. Collection method: clinical testing. Allele origin: germline. Observed: 1 variant allele.
Comment: PP3_moderate, PM2_supporting, PM3_strong